The following is an entry in ClinVar:

ClinVar aggregate classification (germline): Uncertain significance (1 of 4 stars; one submission).

Allele frequency attached by ClinVar (database versions not stated): gnomAD exomes 0.00001 and 0.00008; gnomAD 0.00004 and 0.00005; TOPMed 0.00005; ExAC 0.00006.
gnomAD v4.1: 46 of 1,614,058 alleles (0.0028%); highest among the groups gnomAD compares: East Asian, 0.045%; 1 homozygote.

Submission:

Labcorp Genetics (formerly Invitae), Labcorp
Classification: Uncertain significance. Last evaluated: 2025-10-16. Review status: criteria provided, single submitter. Criteria: Invitae Variant Classification Sherloc (09022015). Collection method: clinical testing. Allele origin: germline.
Comment: This sequence change replaces methionine, which is neutral and non-polar, with isoleucine, which is neutral and non-polar, at codon 94 of the SULF1 protein (p.Met94Ile). This variant is present in population databases (rs377416230, gnomAD 0.1%), and has an allele count higher than expected for a pathogenic variant. This variant has not been reported in the literature in individuals affected with SULF1-related conditions. ClinVar contains an entry for this variant (Variation ID: 1469495). An algorithm developed to predict the effect of missense changes on protein structure and function (PolyPhen-2) suggests that this variant is likely to be tolerated. In summary, the available evidence is currently insufficient to determine the role of this variant in disease. Therefore, it has been classified as a Variant of Uncertain Significance.

NM_001128205.2(SULF1):c.282G>A (p.Met94Ile)

Gene: SULF1 (sulfatase 1; plus strand). Cytogenetic location: 8q13.2.
Variant type: single nucleotide variant.
Coding change: c.282G>A on transcript NM_001128205.2 (MANE Select); coding-DNA position 282, G replaced by A.
Protein change: p.Met94Ile; replaces methionine 94 with isoleucine.
Molecular consequence: missense variant. On other transcripts: non-coding transcript variant (2).
Genome position (GRCh38, 1-based): chr8:69,576,079, G>A. VCF-style: chr8-69576079-G-A. GRCh37 (hg19) VCF-style: chr8-70488314-G-A.
Other names: c.282G>A, p.Met94Ile (NM_001128204.2, NM_001128206.2, NM_015170.3); short protein forms M94I.
Identifiers: ClinVar variation 1469495 (VCV001469495.8), dbSNP rs377416230, ClinGen allele CA4775532.